The following is an entry in ClinVar:

NM_001363711.2(DUOX2):c.431A>G (p.Gln144Arg)

Gene: DUOX2 (dual oxidase 2; minus strand). Cytogenetic location: 15q21.1.
Variant type: single nucleotide variant.
Coding change: c.431A>G on transcript NM_001363711.2 (MANE Select); coding-DNA position 431, A replaced by G.
Protein change: p.Gln144Arg; replaces glutamine 144 with arginine.
Molecular consequence: missense variant.
Genome position (GRCh38, 1-based): chr15:45,111,850, T>C on the plus strand (A>G on the coding strand, the complement: DUOX2 is on the minus strand). VCF-style: chr15-45111850-T-C. GRCh37 (hg19) VCF-style: chr15-45404048-T-C.
Other names: c.431A>G, p.Gln144Arg (NM_014080.5); short protein forms Q144R.
Identifiers: ClinVar variation 3679449 (VCV003679449.2).

ClinVar aggregate classification (germline): Uncertain significance (1 of 4 stars; one submission).

Submission:

Labcorp Genetics (formerly Invitae), Labcorp
Classification: Uncertain significance. Last evaluated: 2024-02-14. Review status: criteria provided, single submitter. Criteria: Invitae Variant Classification Sherloc (09022015). Collection method: clinical testing. Allele origin: germline.
Comment: This sequence change replaces glutamine, which is neutral and polar, with arginine, which is basic and polar, at codon 144 of the DUOX2 protein (p.Gln144Arg). This variant is not present in population databases (gnomAD no frequency). This variant has not been reported in the literature in individuals affected with DUOX2-related conditions. Advanced modeling of protein sequence and biophysical properties (such as structural, functional, and spatial information, amino acid conservation, physicochemical variation, residue mobility, and thermodynamic stability) performed at Invitae indicates that this missense variant is not expected to disrupt DUOX2 protein function with a negative predictive value of 80%. In summary, the available evidence is currently insufficient to determine the role of this variant in disease. Therefore, it has been classified as a Variant of Uncertain Significance.